The following is an entry in ClinVar:

NM_001352754.2(ARMC9):c.2143G>A (p.Ala715Thr)

Genes: ARMC9 (armadillo repeat containing 9; plus strand), LOC122861306 (Sharpr-MPRA regulatory region 9410; plus strand). Cytogenetic location: 2q37.1.
Variant type: single nucleotide variant.
Coding change: c.2143G>A on transcript NM_001352754.2 (MANE Select); coding-DNA position 2143, G replaced by A.
Protein change: p.Ala715Thr; replaces alanine 715 with threonine.
Molecular consequence: missense variant.
Genome position (GRCh38, 1-based): chr2:231,360,765, G>A. VCF-style: chr2-231360765-G-A. GRCh37 (hg19) VCF-style: chr2-232225477-G-A.
Other names: c.2143G>A, p.Ala715Thr (NM_001271466.4); short protein forms A715T.
Identifiers: ClinVar variation 841045 (VCV000841045.7), dbSNP rs748686282, ClinGen allele CA2160583.
Genomic context (GRCh38, chr2:231,360,765, plus strand): 5'-GAGGGGCTCCAGAGCAGATGTGGACTGAACTTTCTCTCCTCCTCCCCAGCAGCCATCATC[G>A]CCAAGCCAGGAGAGTGGCTCCCAAGAGGACGCCAGGAAGAGCCTCGCCCAGCCCCCACGG-3'
Protein context (NP_001339683.2, residues 705-725): SCVSSSSAII[Ala715Thr]KPGEWLPRGR

ClinVar aggregate classification (germline): Uncertain significance (1 of 4 stars; one submission).

Allele frequency attached by ClinVar (database versions not stated): gnomAD 0.00002 and 0.00003; TOPMed 0.00003; ExAC 0.00007.
gnomAD v4.1: 53 of 1,536,164 alleles (0.0035%); highest among the groups gnomAD compares: South Asian, 0.012%; no homozygotes.

Submission:

Labcorp Genetics (formerly Invitae), Labcorp
Classification: Uncertain significance. Last evaluated: 2022-11-22. Review status: criteria provided, single submitter. Criteria: Invitae Variant Classification Sherloc (09022015). Collection method: clinical testing. Allele origin: germline.
Comment: In summary, the available evidence is currently insufficient to determine the role of this variant in disease. Therefore, it has been classified as a Variant of Uncertain Significance. Experimental studies and prediction algorithms are not available or were not evaluated, and the functional significance of this variant is currently unknown. ClinVar contains an entry for this variant (Variation ID: 841045). This variant has not been reported in the literature in individuals affected with ARMC9-related conditions. This variant is present in population databases (rs748686282, gnomAD 0.006%). This sequence change replaces alanine, which is neutral and non-polar, with threonine, which is neutral and polar, at codon 715 of the ARMC9 protein (p.Ala715Thr).